The following is an entry in ClinVar:

NM_052813.5(CARD9):c.1094A>G (p.Glu365Gly)

Gene: CARD9 (caspase recruitment domain family member 9; minus strand). Cytogenetic location: 9q34.3.
Variant type: single nucleotide variant.
Coding change: c.1094A>G on transcript NM_052813.5 (MANE Select); coding-DNA position 1094, A replaced by G.
Protein change: p.Glu365Gly; replaces glutamic acid 365 with glycine.
Molecular consequence: missense variant.
Genome position (GRCh38, 1-based): chr9:136,367,812, T>C on the plus strand (A>G on the coding strand, the complement: CARD9 is on the minus strand). VCF-style: chr9-136367812-T-C. GRCh37 (hg19) VCF-style: chr9-139262264-T-C.
Other names: c.1094A>G, p.Glu365Gly (NM_052814.4); short protein forms E365G.
Identifiers: ClinVar variation 960305 (VCV000960305.9), dbSNP rs533844645, ClinGen allele CA5332831.

ClinVar aggregate classification (germline): Uncertain significance. Review status: criteria provided, multiple submitters, no conflicts (2 of 4 stars). 3 submissions from 3 submitters: Uncertain significance (3). Last evaluated 2022-06-24.

Conditions:
Inborn genetic diseases. Identifiers: MedGen C0950123, MeSH D030342.
Predisposition to invasive fungal disease due to CARD9 deficiency (IMD103). Also called: Candidiasis, familial, 2, autosomal recessive; CARD9 IMMUNODEFICIENCY; IMMUNODEFICIENCY 103, SUSCEPTIBILITY TO FUNGAL INFECTIONS. Identifiers: Orphanet 457088, MedGen C1859353, MONDO:0008905, OMIM 212050.

Allele frequency attached by ClinVar (database versions not stated): gnomAD 0.00002 and 0.00003; TOPMed 0.00003; ExAC 0.00004; gnomAD exomes 0.00005; 1000 Genomes Project 30x 0.00016; 1000 Genomes Project 0.00020.

Submissions (3):

Ambry Genetics
Classification: Uncertain significance for Inborn genetic diseases. Last evaluated: 2022-06-24. Review status: criteria provided, single submitter. Criteria: Ambry Variant Classification Scheme 2023. Collection method: clinical testing. Allele origin: germline.

Labcorp Genetics (formerly Invitae), Labcorp
Classification: Uncertain significance for Predisposition to invasive fungal disease due to CARD9 deficiency. Last evaluated: 2022-02-03. Review status: criteria provided, single submitter. Criteria: Invitae Variant Classification Sherloc (09022015). Collection method: clinical testing. Allele origin: germline.
Comment: This sequence change replaces glutamic acid, which is acidic and polar, with glycine, which is neutral and non-polar, at codon 365 of the CARD9 protein (p.Glu365Gly). This variant is present in population databases (rs533844645, gnomAD 0.01%). This variant has not been reported in the literature in individuals affected with CARD9-related conditions. ClinVar contains an entry for this variant (Variation ID: 960305). Algorithms developed to predict the effect of missense changes on protein structure and function are either unavailable or do not agree on the potential impact of this missense change (SIFT: "Deleterious"; PolyPhen-2: "Benign"; Align-GVGD: "Class C0"). In summary, the available evidence is currently insufficient to determine the role of this variant in disease. Therefore, it has been classified as a Variant of Uncertain Significance.

Fulgent Genetics
Classification: Uncertain significance for Predisposition to invasive fungal disease due to CARD9 deficiency. Last evaluated: 2021-10-19. Review status: criteria provided, single submitter. Criteria: ACMG Guidelines, 2015. Collection method: clinical testing. Allele origin: unknown.